The following is an entry in ClinVar:

ClinVar aggregate classification (germline): Uncertain significance (1 of 4 stars; one submission).

Conditions:
Cardiovascular phenotype. Identifiers: MedGen CN230736.

gnomAD v4.1: 1 of 1,614,100 alleles (0.000062%); highest among the groups gnomAD compares: Non-Finnish European, 0.000085%; no homozygotes.

Submission:

Ambry Genetics
Classification: Uncertain significance for Cardiovascular phenotype. Last evaluated: 2024-06-22. Review status: criteria provided, single submitter. Criteria: Ambry Variant Classification Scheme 2023. Collection method: clinical testing. Allele origin: germline.
Comment: The p.L3304R variant (also known as c.9911T>G), located in coding exon 26 of the APOB gene, results from a T to G substitution at nucleotide position 9911. The leucine at codon 3304 is replaced by arginine, an amino acid with dissimilar properties. This amino acid position is conserved. In addition, the in silico prediction for this alteration is inconclusive. Based on the available evidence, the clinical significance of this variant remains unclear.

NM_000384.3(APOB):c.9911T>G (p.Leu3304Arg)

Gene: APOB (apolipoprotein B; minus strand). Cytogenetic location: 2p24.1.
Variant type: single nucleotide variant.
Coding change: c.9911T>G on transcript NM_000384.3 (MANE Select); coding-DNA position 9911, T replaced by G.
Protein change: p.Leu3304Arg; replaces leucine 3304 with arginine.
Molecular consequence: missense variant.
Genome position (GRCh38, 1-based): chr2:21,006,957, A>C on the plus strand (T>G on the coding strand, the complement: APOB is on the minus strand). VCF-style: chr2-21006957-A-C. GRCh37 (hg19) VCF-style: chr2-21229829-A-C.
Other names: short protein forms L3304R.
Identifiers: ClinVar variation 3308102 (VCV003308102.1).
Genomic context (GRCh38, chr2:21,006,957, plus strand): 5'-CACAATTCCTTGAAATCTGGAAGAGAAAGCTTGAGATTTCTAGGGACATGAAGGACTGGC[A>C]GCTCTAATGATGGCAGGATTAATGTGTATGAAGGCACACGGACGTCAGAACCTAGGATGG-3'
Protein context (NP_000375.3, residues 3294-3314): SYTLILPSLE[Leu3304Arg]PVLHVPRNLK